The following is an entry in ClinVar:

ClinVar aggregate classification (germline): Uncertain significance. Review status: criteria provided, single submitter (1 of 4 stars). 2 submissions from 2 submitters: Uncertain significance (1). 1 of the submissions does not count toward it. Last evaluated 2021-09-01.

Conditions:
Aicardi Goutieres syndrome (AGS). Also called: Encephalopathy, familial infantile, with calcification of basal ganglia and chronic cerebrospinal fluid lymphocytosis. Identifiers: Orphanet 51, MedGen C0393591, MONDO:0018866.
Aicardi-Goutieres syndrome 5. Identifiers: Orphanet 51, MedGen C2749659, MONDO:0013059, OMIM 612952.

Allele frequency attached by ClinVar (database versions not stated): gnomAD exomes below 0.00001; ExAC 0.00001.
gnomAD v4.1: 3 of 1,613,680 alleles (0.00019%); highest among the groups gnomAD compares: Non-Finnish European, 0.00025%; no homozygotes.

Submissions (2):

Labcorp Genetics (formerly Invitae), Labcorp
Classification: Uncertain significance for Aicardi-Goutieres syndrome 5. Last evaluated: 2021-09-01. Review status: criteria provided, single submitter. Criteria: Invitae Variant Classification Sherloc (09022015). Collection method: clinical testing. Allele origin: germline.
Comment: This sequence change replaces arginine with glycine at codon 134 of the SAMHD1 protein (p.Arg134Gly). The arginine residue is moderately conserved and there is a moderate physicochemical difference between arginine and glycine. This variant is present in population databases (rs752442185, ExAC 0.001%). This variant has not been reported in the literature in individuals affected with SAMHD1-related conditions. Algorithms developed to predict the effect of missense changes on protein structure and function are either unavailable or do not agree on the potential impact of this missense change (SIFT: "Deleterious"; PolyPhen-2: "Benign"; Align-GVGD: "Class C0"). In summary, the available evidence is currently insufficient to determine the role of this variant in disease. Therefore, it has been classified as a Variant of Uncertain Significance.

Natera, Inc.
Classification: Uncertain significance for Aicardi-Goutieres syndrome. Last evaluated: 2021-03-13. Review status: no assertion criteria provided. Collection method: clinical testing. Allele origin: germline. Not counted in ClinVar's aggregate classification.

NM_015474.4(SAMHD1):c.400C>G (p.Arg134Gly)

Gene: SAMHD1 (SAM and HD domain containing deoxynucleoside triphosphate triphosphohydrolase 1; minus strand). Cytogenetic location: 20q11.23.
Variant type: single nucleotide variant.
Coding change: c.400C>G on transcript NM_015474.4 (MANE Select); coding-DNA position 400, C replaced by G.
Protein change: p.Arg134Gly; replaces arginine 134 with glycine.
Molecular consequence: missense variant.
Genome position (GRCh38, 1-based): chr20:36,935,138, G>C on the plus strand (C>G on the coding strand, the complement: SAMHD1 is on the minus strand). VCF-style: chr20-36935138-G-C. GRCh37 (hg19) VCF-style: chr20-35563541-G-C.
Other names: c.400C>G, p.Arg134Gly (NM_001363729.2, NM_001363733.2); short protein forms R134G.
Identifiers: ClinVar variation 850982 (VCV000850982.5), dbSNP rs752442185, ClinGen allele CA9844744.
Genomic context (GRCh38, chr20:36,935,138, plus strand): 5'-AACCACCTCCCAGCTGTTTGATGTATCGAAGACGTTGAAATTGAGGTGTATCAATGATTC[G>C]GACGAGGAGAGGGTGGAGCTCAATGTGGCCATGGATAGGATCATTAATTACCTAGAAAAT-3'
Protein context (NP_056289.2, residues 124-144): GHIELHPLLV[Arg134Gly]IIDTPQFQRL